The following is an entry in ClinVar:

NM_018136.5(ASPM):c.10331+5G>T

Gene: ASPM (assembly factor for spindle microtubules; minus strand). Cytogenetic location: 1q31.3.
Variant type: single nucleotide variant.
Coding change: c.10331+5G>T on transcript NM_018136.5 (MANE Select); 5 bases into the intron after coding-DNA position 10331, G replaced by T.
Molecular consequence: intron variant.
Genome position (GRCh38, 1-based): chr1:197,086,798, C>A on the plus strand (G>T on the coding strand, the complement: ASPM is on the minus strand). VCF-style: chr1-197086798-C-A. GRCh37 (hg19) VCF-style: chr1-197055928-C-A.
Other names: c.5576+5G>T (NM_001206846.2).
Identifiers: ClinVar variation 1309540 (VCV001309540.2), dbSNP rs368843607, ClinGen allele CA2573051448.
Genomic context (GRCh38, chr1:197,086,798, plus strand): 5'-TAAATATTTGTTAAATGAATGAATGAACAGTGACACAAATTTATGGACTATATTTAATTG[C>A]TTACCTTGAAACTATTCTGGTCCTTACAGGTGTTTCTGGGATAAAAGGAATGCTTATAGA-3'

ClinVar aggregate classification (germline): Uncertain significance (1 of 4 stars; one submission).

Submission:

GeneDx
Classification: Uncertain significance. Last evaluated: 2019-10-23. Review status: criteria provided, single submitter. Criteria: GeneDx Variant Classification Process June 2021. Collection method: clinical testing. Allele origin: germline. Affected: yes.
Comment: Not observed in large population cohorts (Lek et al., 2016); Has not been previously published as pathogenic or benign to our knowledge; In-silico analysis, which includes splice predictors and evolutionary conservation, is inconclusive as to whether the variant alters gene splicing. In the absence of RNA/functional studies, the actual effect of this sequence change is unknown.